The following is an entry in ClinVar:

NM_170606.3(KMT2C):c.7029C>T (p.His2343=)

Gene: KMT2C (lysine methyltransferase 2C; minus strand). Cytogenetic location: 7q36.1.
Variant type: single nucleotide variant.
Coding change: c.7029C>T on transcript NM_170606.3 (MANE Select); coding-DNA position 7029, C replaced by T.
Protein change: p.His2343=; no amino-acid change (histidine 2343 retained).
Molecular consequence: synonymous variant.
Genome position (GRCh38, 1-based): chr7:152,180,831, G>A on the plus strand (C>T on the coding strand, the complement: KMT2C is on the minus strand). VCF-style: chr7-152180831-G-A. GRCh37 (hg19) VCF-style: chr7-151877916-G-A.
Identifiers: ClinVar variation 2171107 (VCV002171107.7), dbSNP rs148341170, ClinGen allele CA4579965.

ClinVar aggregate classification (germline): Likely benign. Review status: criteria provided, multiple submitters, no conflicts (2 of 4 stars). 3 submissions from 3 submitters: Likely benign (3). Last evaluated 2026-05-01.

Allele frequency attached by ClinVar (database versions not stated): gnomAD exomes 0.00002; ExAC 0.00010; ESP Exome Variant Server 0.00015; gnomAD 0.00022; TOPMed 0.00034; 1000 Genomes Project 30x 0.00047; 1000 Genomes Project 0.00060.
gnomAD v4.1: 63 of 1,614,202 alleles (0.0039%); highest among the groups gnomAD compares: African/African-American, 0.055%; no homozygotes.

Submissions (3):

CeGaT Center for Human Genetics Tuebingen
Classification: Likely benign. Last evaluated: 2026-05-01. Review status: criteria provided, single submitter. Criteria: CeGaT Center For Human Genetics Tuebingen Variant Classification Criteria Version 2. Collection method: clinical testing. Allele origin: germline. Affected: yes. Observed: 1 variant allele.
Comment: KMT2C: BP4, BP7

Labcorp Genetics (formerly Invitae), Labcorp
Classification: Likely benign. Last evaluated: 2026-01-12. Review status: criteria provided, single submitter. Criteria: Invitae Variant Classification Sherloc (09022015). Collection method: clinical testing. Allele origin: germline.

Blueprint Genetics
Classification: Likely benign. Last evaluated: 2024-06-07. Review status: criteria provided, single submitter. Criteria: ACMG Guidelines, 2015. Collection method: clinical testing. Allele origin: germline.